The following is an entry in ClinVar:

ClinVar aggregate classification (germline): Uncertain significance. Review status: criteria provided, multiple submitters, no conflicts (2 of 4 stars). 3 submissions from 3 submitters: Uncertain significance (3). Last evaluated 2026-01-17.

Allele frequency attached by ClinVar (database versions not stated): ExAC 0.00040; TOPMed 0.00042; gnomAD 0.00046 and 0.00048; ESP Exome Variant Server 0.00062; 1000 Genomes Project 30x 0.00141; 1000 Genomes Project 0.00180.

Submissions (3):

Labcorp Genetics (formerly Invitae), Labcorp
Classification: Uncertain significance. Last evaluated: 2026-01-17. Review status: criteria provided, single submitter. Criteria: Invitae Variant Classification Sherloc (09022015). Collection method: clinical testing. Allele origin: germline.
Comment: This sequence change replaces glycine, which is neutral and non-polar, with serine, which is neutral and polar, at codon 870 of the DSG1 protein (p.Gly870Ser). This variant is present in population databases (rs139922779, gnomAD 0.2%). This variant has not been reported in the literature in individuals affected with DSG1-related conditions. ClinVar contains an entry for this variant (Variation ID: 1374453). An algorithm developed to predict the effect of missense changes on protein structure and function (PolyPhen-2) suggests that this variant is likely to be disruptive. In summary, the available evidence is currently insufficient to determine the role of this variant in disease. Therefore, it has been classified as a Variant of Uncertain Significance.

Blueprint Genetics
Classification: Uncertain significance. Last evaluated: 2024-11-04. Review status: criteria provided, single submitter. Criteria: ACMG Guidelines, 2015. Collection method: clinical testing. Allele origin: germline.

Revvity Omics, Revvity
Classification: Uncertain significance. Last evaluated: 2022-04-29. Review status: criteria provided, single submitter. Criteria: ACMG Guidelines, 2015. Collection method: clinical testing. Allele origin: germline.

NM_001942.4(DSG1):c.2608G>A (p.Gly870Ser)

Genes: DSG1 (desmoglein 1; plus strand), DSG1-AS1 (DSG1 antisense RNA 1; minus strand), LOC126862720 (MED14-independent group 3 enhancer GRCh37_chr18:28933613-28934812; plus strand). Cytogenetic location: 18q12.1.
Variant type: single nucleotide variant.
Coding change: c.2608G>A on transcript NM_001942.4 (MANE Select); coding-DNA position 2608, G replaced by A.
Protein change: p.Gly870Ser; replaces glycine 870 with serine.
Molecular consequence: missense variant.
Genome position (GRCh38, 1-based): chr18:31,354,804, G>A. VCF-style: chr18-31354804-G-A. GRCh37 (hg19) VCF-style: chr18-28934767-G-A.
Other names: short protein forms G870S.
Identifiers: ClinVar variation 1374453 (VCV001374453.9), dbSNP rs139922779, ClinGen allele CA8926406.